The following is an entry in ClinVar:

ClinVar aggregate classification (germline): Likely pathogenic (1 of 4 stars; one submission).

Conditions:
Hypophosphatemic rickets. Identifiers: MedGen C1704375, MeSH D063730, MONDO:0024300, HP:0004912.

Allele frequency attached by ClinVar (database versions not stated): TOPMed 0.00001.

Submission:

Laboratory for Molecular Medicine, Mass General Brigham Personalized Medicine
Classification: Likely pathogenic for Hereditary hypophosphatemic rickets. Last evaluated: 2017-07-27. Review status: criteria provided, single submitter. Criteria: LMM Criteria. Collection method: clinical testing. Allele origin: germline. Inheritance: Autosomal recessive inheritance. Observed: 1 variant allele.
Comment: The p.Gln327X (NM_004407.3 c.979C>T) variant in DMP1 has not been previously rep orted in individuals with hereditary hypophosphatemic rickets and was absent fro m large population studies. This nonsense variant leads to a premature terminati on codon at position 327, which is predicted to lead to a truncated or absent pr otein. Biallelic loss of function of the DMP1 gene has been associated with here ditary hypophosphatemic rickets. In summary, although additional studies are req uired to fully establish a null effect on the protein, the p.Gln327X variant in the DMP1 gene is likely pathogenic for hereditary hypophosphatemic rickets in an autosomal recessive manner based on its predicted impact on the protein.

NM_004407.4(DMP1):c.979C>T (p.Gln327Ter)

Genes: DMP1 (dentin matrix acidic phosphoprotein 1; plus strand), DMP1-AS1 (DMP1 and DSPP antisense RNA 1; minus strand). Cytogenetic location: 4q22.1.
Variant type: single nucleotide variant.
Coding change: c.979C>T on transcript NM_004407.4 (MANE Select); coding-DNA position 979, C replaced by T.
Protein change: p.Gln327Ter; replaces glutamine 327 with a stop codon.
Molecular consequence: nonsense.
Genome position (GRCh38, 1-based): chr4:87,662,757, C>T. VCF-style: chr4-87662757-C-T. GRCh37 (hg19) VCF-style: chr4-88583909-C-T.
Other names: c.931C>T, p.Gln311Ter (NM_001079911.3); short protein forms Q327*, Q311*.
Identifiers: ClinVar variation 505906 (VCV000505906.4), dbSNP rs899142959, ClinGen allele CA101381863.